The following is an entry in ClinVar:

ClinVar aggregate classification (germline): Conflicting classifications of pathogenicity. Review status: criteria provided, conflicting classifications (1 of 4 stars). 2 submissions from 2 submitters: Uncertain significance (1); Benign (1). Last evaluated 2024-12-06.

Conditions:
Osteogenesis imperfecta type I (OI1). Also called: OI, TYPE I; OSTEOGENESIS IMPERFECTA TARDA; OSTEOGENESIS IMPERFECTA WITH BLUE SCLERAE; Lobstein's Disease; Classic Non-deforming Osteogenesis Imperfecta with Blue Sclerae; Lobstein disease. Identifiers: Orphanet 216796, Orphanet 666, MedGen C0023931, MONDO:0008146, OMIM 166200. Disease mechanism: loss of function.
Cardiovascular phenotype. Identifiers: MedGen CN230736.

Allele frequency attached by ClinVar (database versions not stated): gnomAD 0.00001; gnomAD exomes 0.00001; TOPMed 0.00001; ExAC 0.00002.
gnomAD v4.1: 4 of 1,613,316 alleles (0.00025%); no homozygotes.

Submissions (2):

Labcorp Genetics (formerly Invitae), Labcorp
Classification: Benign for Osteogenesis imperfecta type I. Last evaluated: 2024-12-06. Review status: criteria provided, single submitter. Criteria: Invitae Variant Classification Sherloc (09022015). Collection method: clinical testing. Allele origin: germline.

Ambry Genetics
Classification: Uncertain significance for Cardiovascular phenotype. Last evaluated: 2020-11-18. Review status: criteria provided, single submitter. Criteria: Ambry Variant Classification Scheme 2023. Collection method: clinical testing. Allele origin: germline.
Comment: The p.A775T variant (also known as c.2323G>A), located in coding exon 33 of the COL1A1 gene, results from a G to A substitution at nucleotide position 2323. The alanine at codon 775 is replaced by threonine, an amino acid with similar properties. This amino acid position is well conserved in available vertebrate species. In addition, the in silico prediction for this alteration is inconclusive. Since supporting evidence is limited at this time, the clinical significance of this alteration remains unclear.

NM_000088.4(COL1A1):c.2323G>A (p.Ala775Thr)

Gene: COL1A1 (collagen type I alpha 1 chain; minus strand). Cytogenetic location: 17q21.33.
Variant type: single nucleotide variant.
Coding change: c.2323G>A on transcript NM_000088.4 (MANE Select); coding-DNA position 2323, G replaced by A.
Protein change: p.Ala775Thr; replaces alanine 775 with threonine.
Molecular consequence: missense variant.
Genome position (GRCh38, 1-based): chr17:50,190,837, C>T on the plus strand (G>A on the coding strand, the complement: COL1A1 is on the minus strand). VCF-style: chr17-50190837-C-T. GRCh37 (hg19) VCF-style: chr17-48268198-C-T.
Other names: short protein forms A775T.
Identifiers: ClinVar variation 1789611 (VCV001789611.5), dbSNP rs780905804, ClinGen allele CA8644872.